The following is an entry in ClinVar:

NM_015978.3(TNNI3K):c.2227TCT[3] (p.Ser746del)

Genes: FPGT-TNNI3K (FPGT-TNNI3K readthrough; plus strand), LRRC53 (leucine rich repeat containing 53; minus strand), TNNI3K (TNNI3 interacting kinase; plus strand). Cytogenetic location: 1p31.1.
Variant type: Microsatellite.
Coding change: c.2227TCT[3] on transcript NM_015978.3 (MANE Select); three copies in a row of the 3-base unit TCT starting at c.2227; the reference has four copies in a row; one copy, 3 bases deleted; also written c.2236_2238del.
Protein change: p.Ser746del; deletes serine 746.
Molecular consequence: inframe deletion. On other transcripts: intron variant (2).
Genome position (GRCh38, 1-based): chr1:74,492,151-74,492,153, TCT deleted; deleting any 3 consecutive bases within chr1:74,492,140-74,492,153 gives the same sequence; the position shown is the placement nearest the transcript's 3' end. VCF-style (leftmost placement, unchanged base first): chr1-74492139-CCTT-C. GRCh37 (hg19) VCF-style: chr1-74957823-CCTT-C.
Other names: c.2236_2238del (NM_015978.3); c.2530TCT[3], p.Ser847del (NM_001112808.3); c.-8-11183AAG[3] (NM_001364666.2); c.-26-8776AAG[3] (NM_001382280.1); short protein forms S746del, S847del.
Identifiers: ClinVar variation 1510601 (VCV001510601.8), dbSNP rs746146240, ClinGen allele CA909823.
Genomic context (GRCh38, chr1:74,492,139, plus strand): 5'-TGCCCCTCCTCCACTCAGCTGATGTCTCCTGCATCAAGTAACAGCAGTGGGTCTCTCTCA[CCTT>C]CTTCTTCTTCTGATTGCCTGGTGAACCGGGGAGGACCTGGCCGGAGTCATGTGGCAGCAT-3'

ClinVar aggregate classification (germline): Conflicting classifications of pathogenicity. Review status: criteria provided, conflicting classifications (1 of 4 stars). 3 submissions from 3 submitters: Uncertain significance (2); Likely benign (1). Last evaluated 2026-01-02.

Submissions (3):

Labcorp Genetics (formerly Invitae), Labcorp
Classification: Uncertain significance. Last evaluated: 2026-01-02. Review status: criteria provided, single submitter. Criteria: Invitae Variant Classification Sherloc (09022015). Collection method: clinical testing. Allele origin: germline.
Comment: This variant, c.2236_2238del, results in the deletion of 1 amino acid(s) of the TNNI3K protein (p.Ser746del), but otherwise preserves the integrity of the reading frame. The frequency data for this variant in the population databases is considered unreliable, as metrics indicate poor data quality at this position in the gnomAD database. This variant has not been reported in the literature in individuals affected with TNNI3K-related conditions. Experimental studies and prediction algorithms are not available or were not evaluated, and the functional significance of this variant is currently unknown. In summary, the available evidence is currently insufficient to determine the role of this variant in disease. Therefore, it has been classified as a Variant of Uncertain Significance.

Blueprint Genetics
Classification: Likely benign. Last evaluated: 2024-11-08. Review status: criteria provided, single submitter. Criteria: ACMG Guidelines, 2015. Collection method: clinical testing. Allele origin: germline.

Clinical Genetics Laboratory, Skane University Hospital Lund
Classification: Uncertain significance. Last evaluated: 2023-12-19. Review status: criteria provided, single submitter. Criteria: ACMG Guidelines, 2015. Collection method: clinical testing. Allele origin: germline. Affected: yes.